The following is an entry in ClinVar:

NM_020297.4(ABCC9):c.1329G>A (p.Met443Ile)

Gene: ABCC9 (ATP binding cassette subfamily C member 9; minus strand). Cytogenetic location: 12p12.1.
Variant type: single nucleotide variant.
Coding change: c.1329G>A on transcript NM_020297.4 (MANE Select); coding-DNA position 1329, G replaced by A.
Protein change: p.Met443Ile; replaces methionine 443 with isoleucine.
Molecular consequence: missense variant.
Genome position (GRCh38, 1-based): chr12:21,908,203, C>T on the plus strand (G>A on the coding strand, the complement: ABCC9 is on the minus strand). VCF-style: chr12-21908203-C-T. GRCh37 (hg19) VCF-style: chr12-22061137-C-T.
Other names: c.1329G>A (NM_020297.2); c.1329G>A, p.Met443Ile (NM_001377273.1, NM_005691.4); c.465G>A, p.Met155Ile (NM_001377274.1); short protein forms M443I, M155I.
Identifiers: ClinVar variation 846402 (VCV000846402.15), dbSNP rs151197166, ClinGen allele CA6481672.

ClinVar aggregate classification (germline): Uncertain significance. Review status: criteria provided, multiple submitters, no conflicts (2 of 4 stars). 6 submissions from 6 submitters: Uncertain significance (6). Last evaluated 2026-06-19.

Conditions:
Dilated cardiomyopathy 1O (CMD1O). Also called: CARDIOMYOPATHY, DILATED, WITH VENTRICULAR TACHYCARDIA. Identifiers: Orphanet 154, MedGen C1837839, MONDO:0012062, OMIM 608569.
Hypertrichotic osteochondrodysplasia Cantu type. Also called: Cantú Syndrome; Cantu Syndrome. Identifiers: Orphanet 1517, MedGen C0795905, MONDO:0009406, OMIM 239850.
Intellectual disability and myopathy syndrome (IDMYS). Identifiers: MedGen C5676904, MONDO:0859224, OMIM 619719.
Atrial fibrillation, familial, 12 (ATFB12). Identifiers: MedGen C3279695, MONDO:0013545, OMIM 614050.
Cardiovascular phenotype. Identifiers: MedGen CN230736.

Allele frequency attached by ClinVar (database versions not stated): gnomAD exomes below 0.00001 and 0.00002; ExAC 0.00003; gnomAD 0.00003 and 0.00004; TOPMed 0.00005; ESP Exome Variant Server 0.00008; 1000 Genomes Project 0.00040; 1000 Genomes Project 30x 0.00047.
gnomAD v4.1: 10 of 1,612,272 alleles (0.00062%); highest among the groups gnomAD compares: African/African-American, 0.012%; no homozygotes.

Submissions (6):

Women's Health and Genetics/Laboratory Corporation of America, LabCorp
Classification: Uncertain significance. Last evaluated: 2026-06-19. Review status: criteria provided, single submitter. Criteria: LabCorp Variant Classification Summary - May 2015. Collection method: clinical testing. Allele origin: germline.

Labcorp Genetics (formerly Invitae), Labcorp
Classification: Uncertain significance for Dilated cardiomyopathy 1O. Last evaluated: 2025-03-15. Review status: criteria provided, single submitter. Criteria: Invitae Variant Classification Sherloc (09022015). Collection method: clinical testing. Allele origin: germline.
Comment: This sequence change replaces methionine, which is neutral and non-polar, with isoleucine, which is neutral and non-polar, at codon 443 of the ABCC9 protein (p.Met443Ile). This variant is present in population databases (rs151197166, gnomAD 0.02%). This variant has not been reported in the literature in individuals affected with ABCC9-related conditions. ClinVar contains an entry for this variant (Variation ID: 846402). Invitae Evidence Modeling of protein sequence and biophysical properties (such as structural, functional, and spatial information, amino acid conservation, physicochemical variation, residue mobility, and thermodynamic stability) indicates that this missense variant is not expected to disrupt ABCC9 protein function with a negative predictive value of 95%. In summary, the available evidence is currently insufficient to determine the role of this variant in disease. Therefore, it has been classified as a Variant of Uncertain Significance.

Blueprint Genetics
Classification: Uncertain significance. Last evaluated: 2024-04-10. Review status: criteria provided, single submitter. Criteria: ACMG Guidelines, 2015. Collection method: clinical testing. Allele origin: germline.

Ambry Genetics
Classification: Uncertain significance for Cardiovascular phenotype. Last evaluated: 2023-02-03. Review status: criteria provided, single submitter. Criteria: Ambry Variant Classification Scheme 2023. Collection method: clinical testing. Allele origin: germline.
Comment: The p.M443I variant (also known as c.1329G>A), located in coding exon 9 of the ABCC9 gene, results from a G to A substitution at nucleotide position 1329. The methionine at codon 443 is replaced by isoleucine, an amino acid with highly similar properties. This amino acid position is well conserved in available vertebrate species. In addition, this alteration is predicted to be deleterious by in silico analysis. Since supporting evidence is limited at this time, the clinical significance of this alteration remains unclear.

Fulgent Genetics
Classification: Uncertain significance for Hypertrichotic osteochondrodysplasia Cantu type; Dilated cardiomyopathy 1O; Atrial fibrillation, familial, 12; Intellectual disability and myopathy syndrome. Last evaluated: 2021-10-13. Review status: criteria provided, single submitter. Criteria: ACMG Guidelines, 2015. Collection method: clinical testing. Allele origin: unknown.

GeneDx
Classification: Uncertain significance. Last evaluated: 2019-08-01. Review status: criteria provided, single submitter. Criteria: GeneDx Variant Classification Process June 2021. Collection method: clinical testing. Allele origin: germline. Affected: yes.
Comment: Has not been previously published as pathogenic or benign to our knowledge; Not observed at a significant frequency in large population cohorts (Lek et al., 2016); In silico analysis, which includes protein predictors and evolutionary conservation, supports that this variant does not alter protein structure/function